The following is an entry in ClinVar:

ClinVar aggregate classification (germline): Uncertain significance. Review status: criteria provided, multiple submitters, no conflicts (2 of 4 stars). 2 submissions from 2 submitters: Uncertain significance (2). Last evaluated 2023-07-17.

Conditions:
Autosomal recessive ataxia, Beauce type. Also called: SYNE1-Related Autosomal Recessive Cerebellar Ataxia; Spinocerebellar ataxia, autosomal recessive 8; ATAXIA, RECESSIVE, OF BEAUCE; SYNE1 Deficiency. Identifiers: Orphanet 88644, MedGen C1853116, MONDO:0012549, OMIM 610743.
Emery-Dreifuss muscular dystrophy 4, autosomal dominant (EDMD4). Also called: EMERY-DREIFUSS MUSCULAR DYSTROPHY 4 WITH VARIABLE FEATURES. Identifiers: Orphanet 261, MedGen C2751807, MONDO:0013071, OMIM 612998.

Allele frequency attached by ClinVar (database versions not stated): gnomAD exomes below 0.00001 and 0.00001; TOPMed below 0.00001.
gnomAD v4.1: 3 of 1,610,280 alleles (0.00019%); highest among the groups gnomAD compares: Admixed American, 0.0017%; no homozygotes.

Submissions (2):

Victorian Clinical Genetics Services, Murdoch Childrens Research Institute
Classification: Uncertain significance for Autosomal recessive ataxia, Beauce type. Last evaluated: 2023-07-17. Review status: criteria provided, single submitter. Criteria: ACMG Guidelines, 2015. Collection method: clinical testing. Allele origin: germline. Inheritance: Autosomal recessive inheritance. Affected: yes.
Comment: Based on the classification scheme VCGS_Germline_v1.3.4, this variant is classified as VUS-3A. Following criteria are met: 0102 - Loss of function is a known mechanism of disease in this gene and is associated with autosomal recessive spinocerebellar ataxia 8 (MIM#610743). (I) 0108 - This gene is associated with both recessive and dominant disease. Heterozygous variants result in Emery-Dreifuss muscular dystrophy 4 (MIM#612998), whereas biallelic variants can cause either myogenic type arthrogryposis multiplex congenita 3 (MIM#618484) or spinocerebellar ataxia 8 (MIM#610743). Variants causing arthrogryposis typically truncate the C-terminal KASH domain in the muscle-specific isoform, whereas spinocerebellar ataxia variants affect the larger isoform (OMIM). (I) 0212 - Non-canonical splice site variant without proven consequence on splicing (no functional evidence available). (SP) 0251 - This variant is heterozygous. (I) 0304 - Variant is present in gnomAD <0.01 for a recessive condition (v2: 2 heterozygotes, 0 homozygotes). (SP) 0505 - Abnormal splicing is predicted by in silico tools and affected nucleotide is highly conserved. (SP) 0710 - Another splice variant comparable to the one identified in this case has inconclusive previous evidence for pathogenicity. The variant c.3504+5G>C has been reported as a VUS in ClinVar. (I) 0809 - Previous evidence of pathogenicity for this variant is inconclusive. This variant has been reported as a VUS in ClinVar. (I) 0905 - No published segregation evidence has been identified for this variant. (I) 1007 - No published functional evidence has been identified for this variant. (I) 1208 - Inheritance information for this variant is not currently available in this individual. (I)

Labcorp Genetics (formerly Invitae), Labcorp
Classification: Uncertain significance for Emery-Dreifuss muscular dystrophy 4, autosomal dominant; Autosomal recessive ataxia, Beauce type. Last evaluated: 2022-06-27. Review status: criteria provided, single submitter. Criteria: Invitae Variant Classification Sherloc (09022015). Collection method: clinical testing. Allele origin: germline.
Comment: In summary, the available evidence is currently insufficient to determine the role of this variant in disease. Therefore, it has been classified as a Variant of Uncertain Significance. Variants that disrupt the consensus splice site are a relatively common cause of aberrant splicing (PMID: 17576681, 9536098). Algorithms developed to predict the effect of sequence changes on RNA splicing suggest that this variant may disrupt the consensus splice site. This variant has not been reported in the literature in individuals affected with SYNE1-related conditions. This variant is present in population databases (no rsID available, gnomAD 0.006%). This sequence change falls in intron 28 of the SYNE1 gene. It does not directly change the encoded amino acid sequence of the SYNE1 protein. It affects a nucleotide within the consensus splice site.

Literature cited by the submitters: PubMed 17576681 (cited by Labcorp Genetics (formerly Invitae), Labcorp); PubMed 9536098 (cited by Labcorp Genetics (formerly Invitae), Labcorp).

NM_182961.4(SYNE1):c.3504+5G>A

Gene: SYNE1 (spectrin repeat containing nuclear envelope protein 1; minus strand). Cytogenetic location: 6q25.2.
Variant type: single nucleotide variant.
Coding change: c.3504+5G>A on transcript NM_182961.4 (MANE Select); 5 bases into the intron after coding-DNA position 3504, G replaced by A.
Molecular consequence: intron variant.
Genome position (GRCh38, 1-based): chr6:152,449,528, C>T on the plus strand (G>A on the coding strand, the complement: SYNE1 is on the minus strand). VCF-style: chr6-152449528-C-T. GRCh37 (hg19) VCF-style: chr6-152770663-C-T.
Other names: c.3525+5G>A (NM_033071.5); c.3504+5G>A (NM_182961.3).
Identifiers: ClinVar variation 1506619 (VCV001506619.7), dbSNP rs1398879746, ClinGen allele CA571138428.